The following is an entry in ClinVar:

NM_000135.4(FANCA):c.2395C>T (p.Pro799Ser)

Gene: FANCA (FA complementation group A; minus strand). Cytogenetic location: 16q24.3.
Variant type: single nucleotide variant.
Coding change: c.2395C>T on transcript NM_000135.4 (MANE Select); coding-DNA position 2395, C replaced by T.
Protein change: p.Pro799Ser; replaces proline 799 with serine.
Molecular consequence: missense variant.
Genome position (GRCh38, 1-based): chr16:89,769,946, G>A on the plus strand (C>T on the coding strand, the complement: FANCA is on the minus strand). VCF-style: chr16-89769946-G-A. GRCh37 (hg19) VCF-style: chr16-89836354-G-A.
Other names: c.2395C>T (LRG_495t1); c.2395C>T, p.Pro799Ser (NM_001286167.3); short protein forms P799S.
Identifiers: ClinVar variation 321347 (VCV000321347.16), dbSNP rs762439008, ClinGen allele CA8251735.

ClinVar aggregate classification (germline): Conflicting classifications of pathogenicity. Review status: criteria provided, conflicting classifications (1 of 4 stars). 5 submissions from 5 submitters: Uncertain significance (3); Likely benign (1). 1 of the submissions does not count toward it. Last evaluated 2025-11-05.

Conditions:
Fanconi anemia (FA). Also called: Fanconi's anemia. Identifiers: Orphanet 84, MedGen C0015625, MeSH D005199, MONDO:0019391.
Fanconi anemia complementation group A (FANCA). Also called: Fanconi anemia, group A; FANCA-Related Fanconi Anemia. Identifiers: Orphanet 84, MedGen C3469521, MONDO:0009215, OMIM 227650.

Allele frequency attached by ClinVar (database versions not stated): gnomAD 0.00002; gnomAD exomes 0.00003 and 0.00006; TOPMed 0.00006; ExAC 0.00008.

Submissions (5):

Labcorp Genetics (formerly Invitae), Labcorp
Classification: Likely benign for Fanconi anemia. Last evaluated: 2025-11-05. Review status: criteria provided, single submitter. Criteria: Invitae Variant Classification Sherloc (09022015). Collection method: clinical testing. Allele origin: germline.

Fulgent Genetics
Classification: Uncertain significance for Fanconi anemia complementation group A. Last evaluated: 2018-10-31. Review status: criteria provided, single submitter. Criteria: ACMG Guidelines, 2015. Collection method: clinical testing. Allele origin: unknown.

Illumina Laboratory Services, Illumina
Classification: Uncertain significance for Fanconi anemia complementation group A. Last evaluated: 2018-01-13. Review status: criteria provided, single submitter. Criteria: ICSL Variant Classification Criteria 13 December 2019. Collection method: clinical testing. Allele origin: germline.

Juno Genomics, Hangzhou Juno Genomics, Inc
Classification: Uncertain significance for Fanconi anemia complementation group A. Review status: criteria provided, single submitter. Criteria: ACMG Guidelines, 2015. Collection method: clinical testing. Allele origin: germline. Affected: yes.
Comment: Absent from controls (or at extremely low frequency if recessive) in Genome Aggregation Database, Exome Sequencing Project, 1000 Genomes Project, or Exome Aggregation Consortium.

Natera, Inc.
Classification: Uncertain significance for Fanconi anemia. Last evaluated: 2020-01-16. Review status: no assertion criteria provided. Collection method: clinical testing. Allele origin: germline. Not counted in ClinVar's aggregate classification.